The following is an entry in ClinVar:

NM_002224.4(ITPR3):c.4588G>C (p.Ala1530Pro)

Gene: ITPR3 (inositol 1,4,5-trisphosphate receptor type 3; plus strand). Cytogenetic location: 6p21.31.
Variant type: single nucleotide variant.
Coding change: c.4588G>C on transcript NM_002224.4 (MANE Select); coding-DNA position 4588, G replaced by C.
Protein change: p.Ala1530Pro; replaces alanine 1530 with proline.
Molecular consequence: missense variant.
Genome position (GRCh38, 1-based): chr6:33,682,635, G>C. VCF-style: chr6-33682635-G-C. GRCh37 (hg19) VCF-style: chr6-33650412-G-C.
Other names: short protein forms A1530P.
Identifiers: ClinVar variation 3032221 (VCV003032221.2), dbSNP rs767498144, ClinGen allele CA3761286.
Genomic context (GRCh38, chr6:33,682,635, plus strand): 5'-GAGTGTCCGTGGCTACAGCAGCAGCACAAGGGCTCCGTGGAGGCCTGCATCCGGACCCTC[G>C]CCATGGTGGGTGAGTGTGCCGGGGCACTGGCCAGCCCCAAACCACTCCTCCTGCCGCTCA-3'
Protein context (NP_002215.2, residues 1520-1540): GSVEACIRTL[Ala1530Pro]MVAKGRAILL

ClinVar aggregate classification (germline): Uncertain significance (0 of 4 stars; one submission).

Conditions:
ITPR3-related disorder. Also called: ITPR3-related condition.

Allele frequency attached by ClinVar (database versions not stated): ExAC 0.00001; gnomAD 0.00001; TOPMed 0.00001.
gnomAD v4.1: 1 of 1,594,342 alleles (0.000063%); highest among the groups gnomAD compares: Non-Finnish European, 0.000085%; no homozygotes.

Submission:

PreventionGenetics, part of Exact Sciences
Classification: Uncertain significance for ITPR3-related condition. Last evaluated: 2023-12-17. Review status: no assertion criteria provided. Collection method: clinical testing. Allele origin: germline.
Comment: The ITPR3 c.4588G>C variant is predicted to result in the amino acid substitution p.Ala1530Pro. To our knowledge, this variant has not been reported in the literature. This variant is reported in 0.00095% of alleles in individuals of European (Non-Finnish) descent in gnomAD. At this time, the clinical significance of this variant is uncertain due to the absence of conclusive functional and genetic evidence.